The following is an entry in ClinVar:

ClinVar aggregate classification (germline): Benign (1 of 4 stars; one submission).

Allele frequency attached by ClinVar (database versions not stated): gnomAD 0.10978 and 0.11719; TOPMed 0.11415; 1000 Genomes Project 30x 0.18114; 1000 Genomes Project 0.18710.
gnomAD v4.1: 17,750 of 152,174 alleles (12%); highest among the groups gnomAD compares: East Asian, 36%; 1,286 homozygotes.

Submission:

GeneDx
Classification: Benign. Last evaluated: 2018-06-19. Review status: criteria provided, single submitter. Criteria: GeneDx Variant Classification (06012015). Collection method: clinical testing. Allele origin: germline. Affected: yes.
Comment: This variant is considered likely benign or benign based on one or more of the following criteria: it is a conservative change, it occurs at a poorly conserved position in the protein, it is predicted to be benign by multiple in silico algorithms, and/or has population frequency not consistent with disease.

NM_001330260.2(SCN8A):c.4524+254T>C

Gene: SCN8A (sodium voltage-gated channel alpha subunit 8; plus strand). Cytogenetic location: 12q13.13.
Variant type: single nucleotide variant.
Coding change: c.4524+254T>C on transcript NM_001330260.2 (MANE Select); 254 bases into the intron after coding-DNA position 4524, T replaced by C.
Molecular consequence: intron variant.
Genome position (GRCh38, 1-based): chr12:51,790,756, T>C. VCF-style: chr12-51790756-T-C. GRCh37 (hg19) VCF-style: chr12-52184540-T-C.
Other names: c.4524+254T>C (NM_014191.4); c.4401+254T>C (NM_001177984.3, NM_001369788.1).
Identifiers: ClinVar variation 668851 (VCV000668851.1), dbSNP rs2241854, ClinGen allele CA236330035.
Genomic context (GRCh38, chr12:51,790,756, plus strand): 5'-CCTCGACCTATCCTCTGAGCCTTCCTTGGGCAGCCACCAAGAATCAGCATGTGAACCACA[T>C]TGGCTTTGGCCCTAGTAGAGAGATGTTTTTAGAGACAACCAAAAGTCAACAAGAGAAAAT-3'